The following is an entry in ClinVar:

ClinVar aggregate classification (germline): Benign (3 of 4 stars; one submission).

Conditions:
Lynch syndrome. Identifiers: Orphanet 144, MedGen C4552100, MONDO:0005835. Disease mechanism: loss of function.

Allele frequency attached by ClinVar (database versions not stated): gnomAD 0.05700 and 0.04887; 1000 Genomes Project 0.12041; TOPMed 0.05217; 1000 Genomes Project 30x 0.11415.
gnomAD v4.1: 8,634 of 152,208 alleles (5.7%); highest among the groups gnomAD compares: East Asian, 36%; 580 homozygotes.

Submission:

International Society for Gastrointestinal Hereditary Tumours (InSiGHT)
Classification: Benign for Lynch Syndrome. Last evaluated: 2013-09-05. Review status: reviewed by expert panel. Criteria: Guidelines v1.9. Collection method: research. Allele origin: germline.
Comment: MAF >1%

Classified with v1.9 guidelines
ClinVar note: Converted during submission from no known pathogenicity to Benign.

NM_000535.5(PMS2):c.-2559T>A

Genes: AIMP2 (aminoacyl tRNA synthetase complex interacting multifunctional protein 2; plus strand), PMS2 (PMS1 homolog 2, mismatch repair system component; minus strand). Cytogenetic location: 7p22.1.
Variant type: single nucleotide variant.
Coding change: c.-2559T>A on transcript NM_000535.5; 2559 bases upstream of the start codon, T replaced by A.
Molecular consequence: intron variant (on NM_006303.4).
Genome position (GRCh38, 1-based): chr7:6,011,578, A>T on the plus strand (T>A on the coding strand, the complement: PMS2 is on the minus strand). VCF-style: chr7-6011578-A-T. GRCh37 (hg19) VCF-style: chr7-6051209-A-T.
Other names: c.-185-1166A>T (NM_001326609.2); c.135+2080A>T (NM_006303.4, NM_001326607.2); c.-100+807A>T (NM_001326611.3); c.-251+2200A>T (NM_001326610.2); c.15+2200A>T (NM_001326606.2); c.48+401A>T (NM_001362785.2); c.3+1809A>T (NM_001362787.2).
Identifiers: ClinVar variation 91283 (VCV000091283.5), dbSNP rs78453798, ClinGen allele CA331727.
Genomic context (GRCh38, chr7:6,011,578, plus strand): 5'-ATTTCTGACACAAGATGGGTGAATCGGTAACTTTTCTGGTCTGTTTTCCCACTGCTTGTT[A>T]TCCTTCTGTTTTCTTTAATGGCTTTCTGCCTAGATCAGGAGGGACAGACTTTCTTTTGAA-3'